The following is an entry in ClinVar:

ClinVar aggregate classification (germline): Pathogenic (1 of 4 stars; one submission).

Conditions:
Immunodeficiency, common variable, 7. Identifiers: Orphanet 1572, Orphanet 696894, MedGen C3542922, MONDO:0013862, OMIM 614699.

Submission:

Labcorp Genetics (formerly Invitae), Labcorp
Classification: Pathogenic for Immunodeficiency, common variable, 7. Last evaluated: 2025-03-30. Review status: criteria provided, single submitter. Criteria: Invitae Variant Classification Sherloc (09022015). Collection method: clinical testing. Allele origin: germline.
Comment: This sequence change creates a premature translational stop signal (p.Arg247*) in the CR2 gene. It is expected to result in an absent or disrupted protein product. Loss-of-function variants in CR2 are known to be pathogenic (PMID: 26325596, 28499783). This variant is present in population databases (no rsID available, gnomAD 0.002%). This variant has not been reported in the literature in individuals affected with CR2-related conditions. Algorithms developed to predict the effect of sequence changes on RNA splicing suggest that this variant may disrupt the consensus splice site. For these reasons, this variant has been classified as Pathogenic.

Literature cited by the submitters: PubMed 26325596; PubMed 28499783.

NM_001006658.3(CR2):c.739C>T (p.Arg247Ter)

Gene: CR2 (complement C3d receptor 2; plus strand). Cytogenetic location: 1q32.2.
Variant type: single nucleotide variant.
Coding change: c.739C>T on transcript NM_001006658.3 (MANE Select); coding-DNA position 739, C replaced by T.
Protein change: p.Arg247Ter; replaces arginine 247 with a stop codon.
Molecular consequence: nonsense.
Genome position (GRCh38, 1-based): chr1:207,469,154, C>T. VCF-style: chr1-207469154-C-T. GRCh37 (hg19) VCF-style: chr1-207642499-C-T.
Other names: c.739C>T, p.Arg247Ter (NM_001877.5); short protein forms R247*.
Identifiers: ClinVar variation 3622853 (VCV003622853.2).